The following is an entry in ClinVar:

ClinVar aggregate classification (germline): Uncertain significance (1 of 4 stars; one submission).

Conditions:
Complex cortical dysplasia with other brain malformations 7. Identifiers: Orphanet 300573, MedGen C3552236, MONDO:0012399, OMIM 610031.

Submission:

MVZ Medizinische Genetik Mainz
Classification: Uncertain significance for Complex cortical dysplasia with other brain malformations 7. Last evaluated: 2021-08-10. Review status: criteria provided, single submitter. Criteria: UK Practice Guidelines For Variant Classification V4 01 2020. Collection method: clinical testing. Allele origin: germline. Inheritance: Autosomal dominant inheritance. Affected: yes. Observed: 1 variant allele.
Comment: ACMG Criteria: PM2_SUP, PP2, PP3

NM_178012.5(TUBB2B):c.563C>T (p.Ser188Leu)

Gene: TUBB2B (tubulin beta 2B class IIb; minus strand). Cytogenetic location: 6p25.2.
Variant type: single nucleotide variant.
Coding change: c.563C>T on transcript NM_178012.5 (MANE Select); coding-DNA position 563, C replaced by T.
Protein change: p.Ser188Leu; replaces serine 188 with leucine.
Molecular consequence: missense variant.
Genome position (GRCh38, 1-based): chr6:3,225,526, G>A on the plus strand (C>T on the coding strand, the complement: TUBB2B is on the minus strand). VCF-style: chr6-3225526-G-A. GRCh37 (hg19) VCF-style: chr6-3225760-G-A.
Other names: short protein forms S188L.
Identifiers: ClinVar variation 3235205 (VCV003235205.1), dbSNP rs2533617528.